The following is an entry in ClinVar:

ClinVar aggregate classification (germline): Uncertain significance. Review status: criteria provided, multiple submitters, no conflicts (2 of 4 stars). 2 submissions from 2 submitters: Uncertain significance (2). Last evaluated 2025-07-12.

Conditions:
Inborn genetic diseases. Identifiers: MedGen C0950123, MeSH D030342.
Glycogen storage disease IXb (GSD9B). Also called: GLYCOGENOSIS OF LIVER AND MUSCLE, AUTOSOMAL RECESSIVE; GSD IXb; PHOSPHORYLASE KINASE DEFICIENCY OF LIVER AND MUSCLE, AUTOSOMAL RECESSIVE. Identifiers: Orphanet 79240, MedGen C0543514, MONDO:0009868, OMIM 261750.

Allele frequency attached by ClinVar (database versions not stated): ExAC 0.00002; TOPMed 0.00004; gnomAD 0.00005; ESP Exome Variant Server 0.00008; gnomAD exomes 0.00009.
gnomAD v4.1: 145 of 1,613,854 alleles (0.009%); highest among the groups gnomAD compares: Non-Finnish European, 0.012%; no homozygotes.

Submissions (2):

Ambry Genetics
Classification: Uncertain significance for Inborn genetic diseases. Last evaluated: 2025-07-12. Review status: criteria provided, single submitter. Criteria: Ambry Variant Classification Scheme 2023. Collection method: clinical testing. Allele origin: germline.

Labcorp Genetics (formerly Invitae), Labcorp
Classification: Uncertain significance for Glycogen storage disease IXb. Last evaluated: 2022-05-04. Review status: criteria provided, single submitter. Criteria: Invitae Variant Classification Sherloc (09022015). Collection method: clinical testing. Allele origin: germline.
Comment: This sequence change replaces leucine, which is neutral and non-polar, with proline, which is neutral and non-polar, at codon 440 of the PHKB protein (p.Leu440Pro). This variant is present in population databases (rs140509147, gnomAD 0.005%). This variant has not been reported in the literature in individuals affected with PHKB-related conditions. Algorithms developed to predict the effect of missense changes on protein structure and function are either unavailable or do not agree on the potential impact of this missense change (SIFT: "Deleterious"; PolyPhen-2: "Benign"; Align-GVGD: "Class C0"). In summary, the available evidence is currently insufficient to determine the role of this variant in disease. Therefore, it has been classified as a Variant of Uncertain Significance.

NM_000293.3(PHKB):c.1319T>C (p.Leu440Pro)

Gene: PHKB (phosphorylase kinase regulatory subunit beta; plus strand). Cytogenetic location: 16q12.1.
Variant type: single nucleotide variant.
Coding change: c.1319T>C on transcript NM_000293.3 (MANE Select); coding-DNA position 1319, T replaced by C.
Protein change: p.Leu440Pro; replaces leucine 440 with proline.
Molecular consequence: missense variant.
Genome position (GRCh38, 1-based): chr16:47,596,487, T>C. VCF-style: chr16-47596487-T-C. GRCh37 (hg19) VCF-style: chr16-47630398-T-C.
Other names: c.1298T>C, p.Leu433Pro (NM_001031835.3); c.1319T>C, p.Leu440Pro (NM_001363837.1); short protein forms L433P, L440P.
Identifiers: ClinVar variation 2060577 (VCV002060577.3), dbSNP rs140509147, ClinGen allele CA8040766.